The following is an entry in ClinVar:

ClinVar aggregate classification (germline): Likely benign (1 of 4 stars; one submission).

Allele frequency attached by ClinVar (database versions not stated): ExAC 0.00009.
gnomAD v4.1: 59 of 1,613,912 alleles (0.0037%); highest among the groups gnomAD compares: Admixed American, 0.005%; no homozygotes.

Submission:

CeGaT Center for Human Genetics Tuebingen
Classification: Likely benign. Last evaluated: 2022-07-01. Review status: criteria provided, single submitter. Criteria: CeGaT Center For Human Genetics Tuebingen Variant Classification Criteria Version 2. Collection method: clinical testing. Allele origin: germline. Affected: yes. Observed: 1 variant allele.
Comment: NPAP1: BP4, BP7

NM_018958.3(NPAP1):c.726A>G (p.Thr242=)

Gene: NPAP1 (nuclear pore associated protein 1; plus strand). Cytogenetic location: 15q11.2.
Variant type: single nucleotide variant.
Coding change: c.726A>G on transcript NM_018958.3 (MANE Select); coding-DNA position 726, A replaced by G.
Protein change: p.Thr242=; no amino-acid change (threonine 242 retained).
Molecular consequence: synonymous variant.
Genome position (GRCh38, 1-based): chr15:24,676,593, A>G. VCF-style: chr15-24676593-A-G. GRCh37 (hg19) VCF-style: chr15-24921740-A-G.
Identifiers: ClinVar variation 2645006 (VCV002645006.24), dbSNP rs762073634, ClinGen allele CA7430559.